The following is an entry in ClinVar:

ClinVar aggregate classification (germline): Uncertain significance. Review status: criteria provided, single submitter (1 of 4 stars). 2 submissions from 2 submitters: Uncertain significance (1). 1 of the submissions does not count toward it. Last evaluated 2025-08-12.

Conditions:
COL1A1-related disorder. Also called: COL1A1- related disease; COL1A1-related condition.
Osteogenesis imperfecta type I (OI1). Also called: OI, TYPE I; OSTEOGENESIS IMPERFECTA TARDA; OSTEOGENESIS IMPERFECTA WITH BLUE SCLERAE; Classic Non-deforming Osteogenesis Imperfecta with Blue Sclerae; Osteogenesis imperfecta type 1; Lobstein's Disease. Identifiers: Orphanet 216796, Orphanet 666, MedGen C0023931, MONDO:0008146, OMIM 166200. Disease mechanism: loss of function.

Allele frequency attached by ClinVar (database versions not stated): ExAC 0.00002; TOPMed 0.00002; gnomAD 0.00003.
gnomAD v4.1: 14 of 1,610,560 alleles (0.00087%); highest among the groups gnomAD compares: Middle Eastern, 0.02%; no homozygotes.

Submissions (2):

Labcorp Genetics (formerly Invitae), Labcorp
Classification: Uncertain significance for Osteogenesis imperfecta type I. Last evaluated: 2025-08-12. Review status: criteria provided, single submitter. Criteria: Invitae Variant Classification Sherloc (09022015). Collection method: clinical testing. Allele origin: germline.
Comment: This sequence change falls in intron 2 of the COL1A1 gene. It does not directly change the encoded amino acid sequence of the COL1A1 protein. It affects a nucleotide within the consensus splice site. This variant is present in population databases (rs753705753, gnomAD 0.0009%). This variant has not been reported in the literature in individuals affected with COL1A1-related conditions. ClinVar contains an entry for this variant (Variation ID: 581716). Variants that disrupt the consensus splice site are a relatively common cause of aberrant splicing (PMID: 17576681, 9536098). Algorithms developed to predict the effect of sequence changes on RNA splicing suggest that this variant is not likely to affect RNA splicing. In summary, the available evidence is currently insufficient to determine the role of this variant in disease. Therefore, it has been classified as a Variant of Uncertain Significance.

PreventionGenetics, part of Exact Sciences
Classification: Likely benign for COL1A1-related condition. Last evaluated: 2020-02-19. Review status: no assertion criteria provided. Collection method: clinical testing. Allele origin: germline. Not counted in ClinVar's aggregate classification.
Comment: This variant is classified as likely benign based on ACMG/AMP sequence variant interpretation guidelines (Richards et al. 2015 PMID: 25741868, with internal and published modifications).

Literature cited by the submitters: PubMed 17576681 (cited by Labcorp Genetics (formerly Invitae), Labcorp); PubMed 9536098 (cited by Labcorp Genetics (formerly Invitae), Labcorp).

NM_000088.4(COL1A1):c.298+6G>T

Gene: COL1A1 (collagen type I alpha 1 chain; minus strand). Cytogenetic location: 17q21.33.
Variant type: single nucleotide variant.
Coding change: c.298+6G>T on transcript NM_000088.4 (MANE Select); 6 bases into the intron after coding-DNA position 298, G replaced by T.
Molecular consequence: intron variant.
Genome position (GRCh38, 1-based): chr17:50,199,747, C>A on the plus strand (G>T on the coding strand, the complement: COL1A1 is on the minus strand). VCF-style: chr17-50199747-C-A. GRCh37 (hg19) VCF-style: chr17-48277108-C-A.
Identifiers: ClinVar variation 581716 (VCV000581716.12), dbSNP rs753705753, ClinGen allele CA8645789.